The following is an entry in ClinVar:

ClinVar aggregate classification (germline): Conflicting classifications of pathogenicity. Review status: criteria provided, conflicting classifications (1 of 4 stars). 6 submissions from 6 submitters: Uncertain significance (4); Likely benign (1). 1 of the submissions does not count toward it. Last evaluated 2026-01-28.

Conditions:
Inborn genetic diseases. Identifiers: MedGen C0950123, MeSH D030342.
Cutis laxa, X-linked (OHS). Also called: EDS IX; Occipital horn syndrome. Identifiers: Orphanet 198, MedGen C0268353, MONDO:0010572, OMIM 304150.
X-linked distal spinal muscular atrophy type 3. Also called: NEURONOPATHY, DISTAL HEREDITARY MOTOR, X-LINKED; NEUROPATHY, DISTAL HEREDITARY MOTOR, X-LINKED; SPINAL MUSCULAR ATROPHY, DISTAL, X-LINKED RECESSIVE; ATP7A-Related Distal Motor Neuropathy. Identifiers: Orphanet 139557, MedGen C1845359, MONDO:0010338, OMIM 300489.
Menkes kinky-hair syndrome (MNK). Also called: Menkes Disease; Classic Menkes Disease; Copper transport disease. Identifiers: Orphanet 565, MedGen C0022716, MONDO:0010651, OMIM 309400.

Allele frequency attached by ClinVar (database versions not stated): TOPMed 0.00003; gnomAD 0.00005.
gnomAD v4.1: 102 of 1,207,230 alleles (0.0084%); highest among the groups gnomAD compares: South Asian, 0.016%; no homozygotes.

Submissions (6):

Labcorp Genetics (formerly Invitae), Labcorp
Classification: Likely benign for X-linked distal spinal muscular atrophy type 3; Cutis laxa, X-linked; Menkes kinky-hair syndrome. Last evaluated: 2026-01-28. Review status: criteria provided, single submitter. Criteria: Invitae Variant Classification Sherloc (09022015). Collection method: clinical testing. Allele origin: germline.

Ambry Genetics
Classification: Uncertain significance for Inborn genetic diseases. Last evaluated: 2025-01-17. Review status: criteria provided, single submitter. Criteria: Ambry Variant Classification Scheme 2023. Collection method: clinical testing. Allele origin: germline.

Mayo Clinic Laboratories, Mayo Clinic
Classification: Uncertain significance. Last evaluated: 2021-03-16. Review status: criteria provided, single submitter. Criteria: ACMG Guidelines, 2015. Collection method: clinical testing. Allele origin: germline. Observed: 1 variant allele.

Blueprint Genetics
Classification: Uncertain significance. Last evaluated: 2020-10-14. Review status: criteria provided, single submitter. Criteria: ACMG Guidelines, 2015. Collection method: clinical testing. Allele origin: germline.

GeneDx
Classification: Uncertain significance. Last evaluated: 2016-09-28. Review status: criteria provided, single submitter. Criteria: GeneDx Variant Classification (06012015). Collection method: clinical testing. Allele origin: germline. Affected: yes.
Comment: The T574M variant in the ATP7A gene has not been reported previously as a pathogenic variant, nor as a benign variant, to our knowledge. This variant was not observed in approximately 6500 individuals of European and African American ancestry in the NHLBI Exome Sequencing Project, indicating it is not a common benign variant in these populations. The T574M variant is a non-conservative amino acid substitution, which is likely to impact secondary protein structure as these residues differ in polarity, charge, size and/or other properties. This substitution occurs at a position that is conserved across species, and in silico analysis predicts this variant is probably damaging to the protein structure/function. We interpret T574M as a variant of uncertain significance.

Natera, Inc.
Classification: Uncertain significance for Menkes kinky hair syndrome. Last evaluated: 2019-10-28. Review status: no assertion criteria provided. Collection method: clinical testing. Allele origin: germline. Not counted in ClinVar's aggregate classification.

NM_000052.7(ATP7A):c.1721C>T (p.Thr574Met)

Gene: ATP7A (ATPase copper transporting alpha; plus strand). Cytogenetic location: Xq21.1.
Variant type: single nucleotide variant.
Coding change: c.1721C>T on transcript NM_000052.7 (MANE Select); coding-DNA position 1721, C replaced by T.
Protein change: p.Thr574Met; replaces threonine 574 with methionine.
Molecular consequence: missense variant.
Genome position (GRCh38, 1-based): chrX:78,009,115, C>T. VCF-style: chrX-78009115-C-T. GRCh37 (hg19) VCF-style: chrX-77264612-C-T.
Other names: c.1721C>T, p.Thr574Met (NM_001282224.2); short protein forms T574M.
Identifiers: ClinVar variation 389461 (VCV000389461.17), dbSNP rs782076879, ClinGen allele CA10459093.